The following is an entry in ClinVar:

ClinVar aggregate classification (germline): Uncertain significance (1 of 4 stars; one submission).

Submission:

Labcorp Genetics (formerly Invitae), Labcorp
Classification: Uncertain significance. Last evaluated: 2022-03-27. Review status: criteria provided, single submitter. Criteria: Invitae Variant Classification Sherloc (09022015). Collection method: clinical testing. Allele origin: germline.
Comment: In summary, the available evidence is currently insufficient to determine the role of this variant in disease. Therefore, it has been classified as a Variant of Uncertain Significance. Advanced modeling of protein sequence and biophysical properties (such as structural, functional, and spatial information, amino acid conservation, physicochemical variation, residue mobility, and thermodynamic stability) performed at Invitae indicates that this missense variant is not expected to disrupt CACNA1B protein function. This variant has not been reported in the literature in individuals affected with CACNA1B-related conditions. This variant is not present in population databases (gnomAD no frequency). This sequence change replaces aspartic acid, which is acidic and polar, with glutamic acid, which is acidic and polar, at codon 858 of the CACNA1B protein (p.Asp858Glu).

NM_000718.4(CACNA1B):c.2574C>A (p.Asp858Glu)

Gene: CACNA1B (calcium voltage-gated channel subunit alpha1 B; plus strand). Cytogenetic location: 9q34.3.
Variant type: single nucleotide variant.
Coding change: c.2574C>A on transcript NM_000718.4 (MANE Select); coding-DNA position 2574, C replaced by A.
Protein change: p.Asp858Glu; replaces aspartic acid 858 with glutamic acid.
Molecular consequence: missense variant.
Genome position (GRCh38, 1-based): chr9:138,023,317, C>A. VCF-style: chr9-138023317-C-A. GRCh37 (hg19) VCF-style: chr9-140917769-C-A.
Other names: c.2574C>A, p.Asp858Glu (NM_001243812.2); short protein forms D858E.
Identifiers: ClinVar variation 2117927 (VCV002117927.4), dbSNP rs2539373678, ClinGen allele CA375809680.